The following is an entry in ClinVar:

ClinVar aggregate classification (germline): Uncertain significance. Review status: criteria provided, multiple submitters, no conflicts (2 of 4 stars). 2 submissions from 2 submitters: Uncertain significance (2). Last evaluated 2023-04-20.

gnomAD v4.1: 4 of 1,614,038 alleles (0.00025%); highest among the groups gnomAD compares: African/African-American, 0.004%; no homozygotes.

Submissions (2):

Labcorp Genetics (formerly Invitae), Labcorp
Classification: Uncertain significance. Last evaluated: 2023-04-20. Review status: criteria provided, single submitter. Criteria: Invitae Variant Classification Sherloc (09022015). Collection method: clinical testing. Allele origin: germline.
Comment: In summary, the available evidence is currently insufficient to determine the role of this variant in disease. Therefore, it has been classified as a Variant of Uncertain Significance. An algorithm developed to predict the effect of missense changes on protein structure and function (PolyPhen-2) suggests that this variant is likely to be disruptive. ClinVar contains an entry for this variant (Variation ID: 2292885). This variant has not been reported in the literature in individuals affected with IMPG1-related conditions. This variant is present in population databases (no rsID available, gnomAD 0.007%). This sequence change replaces cysteine, which is neutral and slightly polar, with arginine, which is basic and polar, at codon 130 of the IMPG1 protein (p.Cys130Arg).

Ambry Genetics
Classification: Uncertain significance. Last evaluated: 2022-05-27. Review status: criteria provided, single submitter. Criteria: Ambry Variant Classification Scheme 2023. Collection method: clinical testing. Allele origin: germline.

NM_001563.4(IMPG1):c.388T>C (p.Cys130Arg)

Gene: IMPG1 (interphotoreceptor matrix proteoglycan 1; minus strand). Cytogenetic location: 6q14.1.
Variant type: single nucleotide variant.
Coding change: c.388T>C on transcript NM_001563.4 (MANE Select); coding-DNA position 388, T replaced by C.
Protein change: p.Cys130Arg; replaces cysteine 130 with arginine.
Molecular consequence: missense variant.
Genome position (GRCh38, 1-based): chr6:76,034,701, A>G on the plus strand (T>C on the coding strand, the complement: IMPG1 is on the minus strand). VCF-style: chr6-76034701-A-G. GRCh37 (hg19) VCF-style: chr6-76744418-A-G.
Other names: c.154T>C, p.Cys52Arg (NM_001282368.2); short protein forms C130R, C52R.
Identifiers: ClinVar variation 2292885 (VCV002292885.5), dbSNP rs768948437, ClinGen allele CA364780473.